The following is an entry in ClinVar:

ClinVar aggregate classification (germline): Likely benign (1 of 4 stars; one submission).

Allele frequency attached by ClinVar (database versions not stated): 1000 Genomes Project 30x 0.00016; gnomAD exomes 0.00016; 1000 Genomes Project 0.00020; ExAC 0.00021; ESP Exome Variant Server 0.00039; gnomAD 0.00041; TOPMed 0.00049.
gnomAD v4.1: 291 of 1,613,896 alleles (0.018%); highest among the groups gnomAD compares: African/African-American, 0.093%; no homozygotes.

Submission:

CeGaT Center for Human Genetics Tuebingen
Classification: Likely benign. Last evaluated: 2022-04-01. Review status: criteria provided, single submitter. Criteria: CeGaT Center For Human Genetics Tuebingen Variant Classification Criteria Version 2. Collection method: clinical testing. Allele origin: germline. Affected: yes. Observed: 1 variant allele.
Comment: MUC4: BP4, BP7

NM_018406.7(MUC4):c.2190G>A (p.Thr730=)

Gene: MUC4 (mucin 4, cell surface associated). Cytogenetic location: 3q29.
Variant type: single nucleotide variant.
Coding change: c.2190G>A on transcript NM_018406.7 (MANE Select); coding-DNA position 2190, G replaced by A.
Protein change: p.Thr730=; no amino-acid change (threonine 730 retained).
Molecular consequence: synonymous variant. On other transcripts: genic upstream transcript variant (2).
Genome position (GRCh38, 1-based): chr3:195,789,390, C>T on the plus strand (G>A on the coding strand, the complement: MUC4 is on the minus strand). VCF-style: chr3-195789390-C-T. GRCh37 (hg19) VCF-style: chr3-195516261-C-T.
Other names: c.2205G>A, p.Thr735= (NM_001322468.1); c.83-15085G>A (NM_138297.5); c.83-10935G>A (NM_004532.6).
Identifiers: ClinVar variation 2654489 (VCV002654489.24), dbSNP rs201613152, ClinGen allele CA2775137.
Genomic context (GRCh38, chr3:195,789,390, plus strand): 5'-GCCCCCTGGTGTTGACACTACAGAGTTGGCCAGAGTAAGGGCACCTGTTTTGGAAAGTGA[C>T]GTGCCTCCTGAGGGCCCCAGGGTGGCATCATGGCTGCTGGGTGCTGCCTGCAGTGCTGTG-3'
Protein context (NP_060876.5, residues 720-740): HDATLGPSGG[Thr730=]SLSKTGALTL